The following is an entry in ClinVar:

NC_000008.10:g.(?_100533107)_(100589881_?)del

Gene: VPS13B (vacuolar protein sorting 13 homolog B; plus strand). Cytogenetic location: 8q22.2.
Variant type: Deletion.
Identifiers: ClinVar variation 3245452 (VCV003245452.1).

ClinVar aggregate classification (germline): Pathogenic (1 of 4 stars; one submission).

Conditions:
Cohen syndrome (COH1). Also called: Cutis verticis gyrata, retinitis pigmentosa, and sensorineural deafness; PEPPER SYNDROME. Identifiers: Orphanet 193, MedGen C0265223, MONDO:0008999, OMIM 216550.

Submission:

Labcorp Genetics (formerly Invitae), Labcorp
Classification: Pathogenic for Cohen syndrome. Last evaluated: 2023-12-27. Review status: criteria provided, single submitter. Criteria: Invitae Variant Classification Sherloc (09022015). Collection method: clinical testing. Allele origin: unknown.
Comment: This variant is a gross deletion of the genomic region encompassing exon(s) 30-33 of the VPS13B gene. This deletion is out-of-frame, and is expected to create a premature termination codon and result in an absent or disrupted protein product. Loss-of-function variants in VPS13B are known to be pathogenic (PMID: 15141358, 16648375, 20461111). This variant has not been reported in the literature in individuals affected with VPS13B-related conditions. For these reasons, this variant has been classified as Pathogenic.

Literature cited by the submitters: PubMed 15141358; PubMed 16648375; PubMed 20461111.